The following is an entry in ClinVar:

NM_144573.4(NEXN):c.299-2A>T

Genes: NEXN (nexilin F-actin binding protein; plus strand), LOC126805765 (BRD4-independent group 4 enhancer GRCh37_chr1:78383688-78384887; plus strand). Cytogenetic location: 1p31.1.
Variant type: single nucleotide variant.
Coding change: c.299-2A>T on transcript NM_144573.4 (MANE Select); the canonical splice acceptor site of the intron before coding-DNA position 299, A replaced by T.
Molecular consequence: splice acceptor variant.
Genome position (GRCh38, 1-based): chr1:77,918,123, A>T. VCF-style: chr1-77918123-A-T. GRCh37 (hg19) VCF-style: chr1-78383808-A-T.
Other names: c.107-2A>T (NM_001172309.2).
Identifiers: ClinVar variation 4292072 (VCV004292072.1).

ClinVar aggregate classification (germline): Uncertain significance (1 of 4 stars; one submission).

Conditions:
Dilated cardiomyopathy 1CC (CMD1CC). Identifiers: Orphanet 154, MedGen C2751084, MONDO:0013147, OMIM 613122.

Submission:

3billion
Classification: Uncertain significance for Dilated cardiomyopathy 1CC. Last evaluated: 2025-01-22. Review status: criteria provided, single submitter. Criteria: ACMG Guidelines, 2015. Collection method: clinical testing. Allele origin: germline. Affected: yes.
Comment: The variant is not observed in the gnomAD v4.1.0 dataset. Predicted Consequence/Location: Canonical splice site: predicted to alter splicing and result in a loss or disruption of normal protein function. While the contribution of LOF variants in NEXN to autosomal dominant dilated cardiomyopathy, is incompletely understood, previously reported LOF variants in patients provide evidence supporting these variants as a mechanism of disease. (PMID: 35166435) In silico tools predict the variant to alter splicing and produce an abnormal transcript [SpliceAI: 1.00 (spliceogenicity >=0.2, non-spliceogenicity <0.1)]. Canonical splice site: predicted to alter splicing and result in a loss or disruption of normal protein function. While the contribution of LOF variants in NEXN to autosomal dominant dilated cardiomyopathy, is incompletely understood, previously reported LOF variants in patients provide evidence supporting these variants as a mechanism of disease. (PMID: 35166435) Therefore, this variant is classified as Likely pathogenic according to the recommendation of ACMG/AMP guideline.